The following is an entry in ClinVar:

NM_001377.3(DYNC2H1):c.1236C>T (p.Asp412=)

Gene: DYNC2H1 (dynein cytoplasmic 2 heavy chain 1; plus strand). Cytogenetic location: 11q22.3.
Variant type: single nucleotide variant.
Coding change: c.1236C>T on transcript NM_001377.3 (MANE Select); coding-DNA position 1236, C replaced by T.
Protein change: p.Asp412=; no amino-acid change (aspartic acid 412 retained).
Molecular consequence: synonymous variant.
Genome position (GRCh38, 1-based): chr11:103,120,790, C>T. VCF-style: chr11-103120790-C-T. GRCh37 (hg19) VCF-style: chr11-102991519-C-T.
Other names: c.1236C>T, p.Asp412= (NM_001080463.2).
Identifiers: ClinVar variation 2642328 (VCV002642328.24), dbSNP rs2496821024, ClinGen allele CA476738877.

ClinVar aggregate classification (germline): Likely benign (1 of 4 stars; one submission).

gnomAD v4.1: 1 of 1,523,576 alleles (0.000066%); highest among the groups gnomAD compares: Non-Finnish European, 0.000088%; no homozygotes.

Submission:

CeGaT Center for Human Genetics Tuebingen
Classification: Likely benign. Last evaluated: 2022-12-01. Review status: criteria provided, single submitter. Criteria: CeGaT Center For Human Genetics Tuebingen Variant Classification Criteria Version 2. Collection method: clinical testing. Allele origin: germline. Affected: yes. Observed: 1 variant allele.
Comment: DYNC2H1: PM2:Supporting, BP4, BP7